The following is an entry in ClinVar:

NM_020975.6(RET):c.-37G>C

Genes: RET (ret proto-oncogene; plus strand), LOC106736614 (RET 5' regulatory region; plus strand). Cytogenetic location: 10q11.21.
Variant type: single nucleotide variant.
Coding change: c.-37G>C on transcript NM_020975.6 (MANE Select); 37 bases upstream of the start codon, G replaced by C.
Molecular consequence: 5 prime UTR variant.
Genome position (GRCh38, 1-based): chr10:43,077,222, G>C. VCF-style: chr10-43077222-G-C. GRCh37 (hg19) VCF-style: chr10-43572670-G-C.
Other names: c.-37G>C (NM_000323.2, NM_001406743.1, NM_001406744.1 and 38 more transcripts).
Identifiers: ClinVar variation 477374 (VCV000477374.11), dbSNP rs751005619, ClinGen allele CA043526.

ClinVar aggregate classification (germline): Conflicting classifications of pathogenicity. Review status: criteria provided, conflicting classifications (1 of 4 stars). 5 submissions from 5 submitters: Likely pathogenic (1); Uncertain significance (3); Likely benign (1). Last evaluated 2025-06-24.

Conditions:
Multiple endocrine neoplasia, type 2 (MEN2). Identifiers: Orphanet 653, MedGen C4048306, MONDO:0019003. Disease mechanism: gain of function.
Familial medullary thyroid carcinoma (MTC). Also called: Familial Medullary Thyroid Carcinoma (FMTC); Thyroid cancer, familial medullary; MTC, familial. Identifiers: Orphanet 653, Orphanet 99361, MedGen C1833921, MONDO:0007958, OMIM 155240.
Pheochromocytoma. Also called: MAX-Related Hereditary Paraganglioma-Pheochromocytoma Syndrome. Identifiers: Orphanet 29072, MedGen C0031511, MONDO:0008233, OMIM 171300, HP:0002666.
Multiple endocrine neoplasia type 2A. Also called: Multiple Endocrine Neoplasia Type 2A (MEN2A); MULTIPLE ENDOCRINE NEOPLASIA, TYPE IIA; PTC SYNDROME; SIPPLE SYNDROME; MEN 2A; MEN-2A syndrome. Identifiers: Orphanet 247698, Orphanet 653, MedGen C0025268, MeSH D018813, MONDO:0008234, OMIM 171400.
Hirschsprung disease, susceptibility to, 1 (HSCR1). Also called: RET-Related Hirschsprung Disease. Identifiers: Orphanet 388, MedGen C3888239, MONDO:0007723, OMIM 142623.
Multiple endocrine neoplasia type 2B. Also called: WAGENMANN-FROBOESE SYNDROME; MULTIPLE ENDOCRINE NEOPLASIA, TYPE III; MUCOSAL NEUROMA SYNDROME; Multiple Endocrine Neoplasia Type 2B (MEN2B); Multiple endocrine neoplasia, type 3; MULTIPLE ENDOCRINE NEOPLASIA, TYPE IIB. Identifiers: Orphanet 247709, Orphanet 653, MedGen C0025269, MeSH D018814, MONDO:0008082, OMIM 162300.

Allele frequency attached by ClinVar (database versions not stated): ExAC below 0.00001; gnomAD exomes 0.00003; gnomAD 0.00004; TOPMed 0.00004.

Submissions (5):

Quest Diagnostics Nichols Institute San Juan Capistrano
Classification: Uncertain significance. Last evaluated: 2025-06-24. Review status: criteria provided, single submitter. Criteria: Quest Diagnostics criteria. Collection method: clinical testing. Allele origin: unknown.

Fulgent Genetics
Classification: Uncertain significance for Hirschsprung disease, susceptibility to, 1; Familial medullary thyroid carcinoma; Multiple endocrine neoplasia type 2B; Pheochromocytoma; Multiple endocrine neoplasia type 2A. Last evaluated: 2024-02-16. Review status: criteria provided, single submitter. Criteria: ACMG Guidelines, 2015. Collection method: clinical testing. Allele origin: germline.

Labcorp Genetics (formerly Invitae), Labcorp
Classification: Uncertain significance for Multiple endocrine neoplasia, type 2. Last evaluated: 2022-02-19. Review status: criteria provided, single submitter. Criteria: Invitae Variant Classification Sherloc (09022015). Collection method: clinical testing. Allele origin: germline.
Comment: This variant occurs in a non-coding region of the RET gene. It does not change the encoded amino acid sequence of the RET protein. This variant is present in population databases (rs751005619, gnomAD 0.07%). This variant has been observed in individual(s) with Hirschsprung disease (PMID: 14633923). ClinVar contains an entry for this variant (Variation ID: 477374). In summary, the available evidence is currently insufficient to determine the role of this variant in disease. Therefore, it has been classified as a Variant of Uncertain Significance.

GeneDx
Classification: Likely benign. Last evaluated: 2018-07-23. Review status: criteria provided, single submitter. Criteria: GeneDx Variant Classification Process June 2021. Collection method: clinical testing. Allele origin: germline. Affected: yes.
Comment: See Variant Classification Assertion Criteria.

Department of Pathology and Laboratory Medicine, Sinai Health System
Classification: Likely pathogenic for multiple endocrine neoplasia type 2A. Review status: criteria provided, single submitter. Criteria: ACMG Guidelines, 2015. Collection method: clinical testing. Allele origin: germline.

Literature cited by the submitters: PubMed 14633923 (cited by Labcorp Genetics (formerly Invitae), Labcorp).